The following is an entry in ClinVar:

ClinVar aggregate classification (germline): Uncertain significance (1 of 4 stars; one submission).

Submission:

Labcorp Genetics (formerly Invitae), Labcorp
Classification: Uncertain significance. Last evaluated: 2024-07-08. Review status: criteria provided, single submitter. Criteria: Invitae Variant Classification Sherloc (09022015). Collection method: clinical testing. Allele origin: germline.
Comment: This sequence change creates a premature translational stop signal (p.Arg1311Glufs*5) in the ERCC6L2 gene. While this is not anticipated to result in nonsense mediated decay, it is expected to disrupt the last 251 amino acid(s) of the ERCC6L2 protein. This variant is not present in population databases (gnomAD no frequency). This variant has not been reported in the literature in individuals affected with ERCC6L2-related conditions. Experimental studies and prediction algorithms are not available or were not evaluated, and the functional significance of this variant is currently unknown. In summary, the available evidence is currently insufficient to determine the role of this variant in disease. Therefore, it has been classified as a Variant of Uncertain Significance.

NM_020207.7(ERCC6L2):c.3898del (p.Arg1300fs)

Gene: ERCC6L2 (ERCC excision repair 6 like 2; plus strand). Cytogenetic location: 9q22.32.
Variant type: Deletion.
Coding change: c.3898del on transcript NM_020207.7 (MANE Select); coding-DNA position 3898, one base deleted (A; older notation c.3898delA).
Protein change: p.Arg1300fs; shifts the reading frame from arginine 1300.
Molecular consequence: frameshift variant. On other transcripts: non-coding transcript variant (1), intron variant (2).
Genome position (GRCh38, 1-based): chr9:96,012,448, A deleted; the last of 4 consecutive A bases (chr9:96,012,445-96,012,448); deleting any one gives the same sequence. VCF-style (leftmost placement, unchanged base first): chr9-96012444-TA-T. GRCh37 (hg19) VCF-style: chr9-98774726-TA-T.
Other names: c.3674+7747del (NM_001375291.1, NM_001375292.1); short protein forms R1300fs.
Identifiers: ClinVar variation 3659027 (VCV003659027.2).